The following is an entry in ClinVar:

NM_000171.4(GLRA1):c.101A>G (p.Lys34Arg)

Gene: GLRA1 (glycine receptor alpha 1; minus strand). Cytogenetic location: 5q33.1.
Variant type: single nucleotide variant.
Coding change: c.101A>G on transcript NM_000171.4 (MANE Select); coding-DNA position 101, A replaced by G.
Protein change: p.Lys34Arg; replaces lysine 34 with arginine.
Molecular consequence: missense variant. On other transcripts: intron variant (1).
Genome position (GRCh38, 1-based): chr5:151,892,394, T>C on the plus strand (A>G on the coding strand, the complement: GLRA1 is on the minus strand). VCF-style: chr5-151892394-T-C. GRCh37 (hg19) VCF-style: chr5-151271955-T-C.
Other names: c.101A>G, p.Lys34Arg (NM_001146040.2); c.-65-5606A>G (NM_001292000.2); short protein forms K34R.
Identifiers: ClinVar variation 937786 (VCV000937786.9), dbSNP rs1254833783, ClinGen allele CA361848028.

ClinVar aggregate classification (germline): Uncertain significance (1 of 4 stars; one submission).

Conditions:
Hereditary hyperekplexia. Identifiers: Orphanet 3197, MedGen C4084968, MONDO:0021022.

Allele frequency attached by ClinVar (database versions not stated): gnomAD exomes below 0.00001.

Submission:

Labcorp Genetics (formerly Invitae), Labcorp
Classification: Uncertain significance for Hereditary hyperekplexia. Last evaluated: 2023-01-31. Review status: criteria provided, single submitter. Criteria: Invitae Variant Classification Sherloc (09022015). Collection method: clinical testing. Allele origin: germline.
Comment: This sequence change replaces lysine, which is basic and polar, with arginine, which is basic and polar, at codon 34 of the GLRA1 protein (p.Lys34Arg). In summary, the available evidence is currently insufficient to determine the role of this variant in disease. Therefore, it has been classified as a Variant of Uncertain Significance. Advanced modeling of protein sequence and biophysical properties (such as structural, functional, and spatial information, amino acid conservation, physicochemical variation, residue mobility, and thermodynamic stability) performed at Invitae indicates that this missense variant is not expected to disrupt GLRA1 protein function. ClinVar contains an entry for this variant (Variation ID: 937786). This variant has not been reported in the literature in individuals affected with GLRA1-related conditions. This variant is present in population databases (no rsID available, gnomAD 0.0009%).